The following is an entry in ClinVar:

NM_024334.2(TMEM43):c.-414C>T

Genes: CHCHD4 (coiled-coil-helix-coiled-coil-helix domain containing 4; minus strand), TMEM43 (transmembrane protein 43; plus strand). Cytogenetic location: 3p25.1.
Variant type: single nucleotide variant.
Coding change: c.-414C>T on transcript NM_024334.2; 414 bases upstream of the start codon, C replaced by T.
Molecular consequence: 5 prime UTR variant (on NM_001098502.2).
Genome position (GRCh38, 1-based): chr3:14,124,780, C>T. VCF-style: chr3-14124780-C-T. GRCh37 (hg19) VCF-style: chr3-14166280-C-T.
Other names: c.-104G>A (NM_001098502.2); c.-235G>A (NM_144636.3).
Identifiers: ClinVar variation 684005 (VCV000684005.4), dbSNP rs57196972, ClinGen allele CA11621329.

ClinVar aggregate classification (germline): Benign. Review status: criteria provided, multiple submitters, no conflicts (2 of 4 stars). 2 submissions from 2 submitters: Benign (2). Last evaluated 2018-06-14.

Allele frequency attached by ClinVar (database versions not stated): 1000 Genomes Project 30x 0.05153; gnomAD 0.09678; 1000 Genomes Project 0.05092; TOPMed 0.07389.

Submissions (2):

GeneDx
Classification: Benign. Last evaluated: 2018-06-14. Review status: criteria provided, single submitter. Criteria: GeneDx Variant Classification (06012015). Collection method: clinical testing. Allele origin: germline. Affected: yes.
Comment: This variant is considered likely benign or benign based on one or more of the following criteria: it is a conservative change, it occurs at a poorly conserved position in the protein, it is predicted to be benign by multiple in silico algorithms, and/or has population frequency not consistent with disease.

Breakthrough Genomics
Classification: Benign. Review status: criteria provided, single submitter. Criteria: ACMG Guidelines, 2015. Collection method: not provided. Allele origin: germline. Inheritance: Unknown mechanism. Affected: yes.